The following is an entry in ClinVar:

ClinVar aggregate classification (germline): Uncertain significance (1 of 4 stars; one submission).

Submission:

Women's Health and Genetics/Laboratory Corporation of America, LabCorp
Classification: Uncertain significance. Last evaluated: 2024-09-19. Review status: criteria provided, single submitter. Criteria: LabCorp Variant Classification Summary - May 2015. Collection method: clinical testing. Allele origin: germline.
Comment: Variant summary: DHX16 c.224T>G (p.Val75Gly) results in a non-conservative amino acid change in the encoded protein sequence. Four of five in-silico tools predict a benign effect of the variant on protein function. The variant was absent in 245906 control chromosomes (gnomAD). The available data on variant occurrences in the general population are insufficient to allow any conclusion about variant significance. To our knowledge, no occurrence of c.224T>G in individuals affected with Neuromuscular Disease And Ocular Or Auditory Anomalies With Or Without Seizures and no experimental evidence demonstrating its impact on protein function have been reported. No submitters have cited clinical-significance assessments for this variant to ClinVar. Based on the evidence outlined above, the variant was classified as uncertain significance.

NM_003587.5(DHX16):c.224T>G (p.Val75Gly)

Gene: DHX16 (DEAH-box helicase 16; minus strand). Cytogenetic location: 6p21.33.
Variant type: single nucleotide variant.
Coding change: c.224T>G on transcript NM_003587.5 (MANE Select); coding-DNA position 224, T replaced by G.
Protein change: p.Val75Gly; replaces valine 75 with glycine.
Molecular consequence: missense variant. On other transcripts: 5 prime UTR variant (1).
Genome position (GRCh38, 1-based): chr6:30,671,258, A>C on the plus strand (T>G on the coding strand, the complement: DHX16 is on the minus strand). VCF-style: chr6-30671258-A-C. GRCh37 (hg19) VCF-style: chr6-30639035-A-C.
Other names: c.44T>G, p.Val15Gly (NM_001164239.2); c.-1896T>G (NM_001363515.2); short protein forms V15G, V75G.
Identifiers: ClinVar variation 3375381 (VCV003375381.1).